The following is an entry in ClinVar:

NM_001330360.2(POLA1):c.2653G>T (p.Val885Leu)

Gene: POLA1 (DNA polymerase alpha 1, catalytic subunit; plus strand). Cytogenetic location: Xp22.11.
Variant type: single nucleotide variant.
Coding change: c.2653G>T on transcript NM_001330360.2 (MANE Select); coding-DNA position 2653, G replaced by T.
Protein change: p.Val885Leu; replaces valine 885 with leucine.
Molecular consequence: missense variant. On other transcripts: non-coding transcript variant (2).
Genome position (GRCh38, 1-based): chrX:24,745,504, G>T. VCF-style: chrX-24745504-G-T. GRCh37 (hg19) VCF-style: chrX-24763621-G-T.
Other names: p.Val879Leu; c.2578G>T, p.Val860Leu (NM_001378303.1); c.2635G>T, p.Val879Leu (NM_016937.4); short protein forms V885L, V879L, V860L.
Identifiers: ClinVar variation 1903545 (VCV001903545.7), dbSNP rs1418257140, ClinGen allele CA412538035.
Genomic context (GRCh38, chrX:24,745,504, plus strand): 5'-CTGGACTTCAACAGTCTATATCCTTCCATCATTCAGGAATTTAACATTTGTTTTACAACA[G>T]TACAAAGAGTTGCTTCAGAGGCACAGAAAGTTACAGAGGTTTGTATTTAACCTGGGACTC-3'
Protein context (NP_001317289.1, residues 875-895): IQEFNICFTT[Val885Leu]QRVASEAQKV

ClinVar aggregate classification (germline): Uncertain significance. Review status: criteria provided, multiple submitters, no conflicts (2 of 4 stars). 2 submissions from 2 submitters: Uncertain significance (2). Last evaluated 2025-12-11.

gnomAD v4.1: 6 of 1,159,127 alleles (0.00052%); highest among the groups gnomAD compares: Non-Finnish European, 0.00059%; no homozygotes.

Submissions (2):

Labcorp Genetics (formerly Invitae), Labcorp
Classification: Uncertain significance. Last evaluated: 2025-12-11. Review status: criteria provided, single submitter. Criteria: Invitae Variant Classification Sherloc (09022015). Collection method: clinical testing. Allele origin: germline.
Comment: This sequence change replaces valine, which is neutral and non-polar, with leucine, which is neutral and non-polar, at codon 879 of the POLA1 protein (p.Val879Leu). The frequency data for this variant in the population databases is considered unreliable, as metrics indicate poor data quality at this position in the gnomAD database. This variant has not been reported in the literature in individuals affected with POLA1-related conditions. ClinVar contains an entry for this variant (Variation ID: 1903545). Invitae Evidence Modeling of protein sequence and biophysical properties (such as structural, functional, and spatial information, amino acid conservation, physicochemical variation, residue mobility, and thermodynamic stability) indicates that this missense variant is not expected to disrupt POLA1 protein function with a negative predictive value of 80%. In summary, the available evidence is currently insufficient to determine the role of this variant in disease. Therefore, it has been classified as a Variant of Uncertain Significance.

Mayo Clinic Laboratories, Mayo Clinic
Classification: Uncertain significance. Last evaluated: 2024-06-26. Review status: criteria provided, single submitter. Criteria: ACMG Guidelines, 2015. Collection method: clinical testing. Allele origin: germline. Observed: 1 variant allele.
Comment: BP4